The following is an entry in ClinVar:

ClinVar aggregate classification (germline): Uncertain significance. Review status: criteria provided, multiple submitters, no conflicts (2 of 4 stars). 2 submissions from 2 submitters: Uncertain significance (2). Last evaluated 2025-09-24.

Conditions:
Hereditary cancer-predisposing syndrome. Also called: Neoplastic Syndromes, Hereditary; Tumor predisposition; Hereditary Cancer Syndrome; Hereditary neoplastic syndrome. Identifiers: Orphanet 140162, MedGen C0027672, MeSH D009386, MONDO:0015356.
Rhabdoid tumor predisposition syndrome 2 (RTPS2). Identifiers: Orphanet 231108, Orphanet 69077, MedGen C2750074, MONDO:0013224, OMIM 613325.

Allele frequency attached by ClinVar (database versions not stated): gnomAD exomes below 0.00001.
gnomAD v4.1: 2 of 1,614,116 alleles (0.00012%); highest among the groups gnomAD compares: South Asian, 0.0011%; no homozygotes.

Submissions (2):

Labcorp Genetics (formerly Invitae), Labcorp
Classification: Uncertain significance for Rhabdoid tumor predisposition syndrome 2. Last evaluated: 2025-09-24. Review status: criteria provided, single submitter. Criteria: Invitae Variant Classification Sherloc (09022015). Collection method: clinical testing. Allele origin: germline.
Comment: This sequence change replaces proline, which is neutral and non-polar, with leucine, which is neutral and non-polar, at codon 605 of the SMARCA4 protein (p.Pro605Leu). This variant is not present in population databases (gnomAD no frequency). This variant has not been reported in the literature in individuals affected with SMARCA4-related conditions. ClinVar contains an entry for this variant (Variation ID: 1780642). An algorithm developed to predict the effect of missense changes on protein structure and function (PolyPhen-2) suggests that this variant is likely to be tolerated. In summary, the available evidence is currently insufficient to determine the role of this variant in disease. Therefore, it has been classified as a Variant of Uncertain Significance.

Ambry Genetics
Classification: Uncertain significance for Hereditary cancer-predisposing syndrome. Last evaluated: 2025-05-15. Review status: criteria provided, single submitter. Criteria: Ambry Variant Classification Scheme 2023. Collection method: clinical testing. Allele origin: germline.
Comment: The p.P605L variant (also known as c.1814C>T), located in coding exon 11 of the SMARCA4 gene, results from a C to T substitution at nucleotide position 1814. The proline at codon 605 is replaced by leucine, an amino acid with similar properties. This amino acid position is highly conserved in available vertebrate species. In addition, the in silico prediction for this alteration is inconclusive. Based on the available evidence, the clinical significance of this variant remains unclear.

NM_003072.5(SMARCA4):c.1814C>T (p.Pro605Leu)

Gene: SMARCA4 (SWI/SNF related BAF chromatin remodeling complex subunit ATPase 4; plus strand). Cytogenetic location: 19p13.2.
Variant type: single nucleotide variant.
Coding change: c.1814C>T on transcript NM_003072.5 (MANE Select); coding-DNA position 1814, C replaced by T.
Protein change: p.Pro605Leu; replaces proline 605 with leucine.
Molecular consequence: missense variant. On other transcripts: non-coding transcript variant (1).
Genome position (GRCh38, 1-based): chr19:11,003,030, C>T. VCF-style: chr19-11003030-C-T. GRCh37 (hg19) VCF-style: chr19-11113706-C-T.
Other names: c.1814C>T, p.Pro605Leu (NM_001128846.2, NM_001128847.4, NM_001128848.2 and 6 more transcripts); short protein forms P605L.
Identifiers: ClinVar variation 1780642 (VCV001780642.4), dbSNP rs2146094328, ClinGen allele CA404051386.